The following is an entry in ClinVar:

NM_001387430.1(SH2B1):c.2159G>T (p.Gly720Val)

Gene: SH2B1 (SH2B adaptor protein 1; plus strand). Cytogenetic location: 16p11.2.
Variant type: single nucleotide variant.
Coding change: c.2159G>T on transcript NM_001387430.1 (MANE Select); coding-DNA position 2159, G replaced by T.
Protein change: p.Gly720Val; replaces glycine 720 with valine.
Molecular consequence: missense variant. On other transcripts: 3 prime UTR variant (5).
Genome position (GRCh38, 1-based): chr16:28,873,708, G>T. VCF-style: chr16-28873708-G-T. GRCh37 (hg19) VCF-style: chr16-28885029-G-T.
Other names: c.2159G>T, p.Gly720Val (NM_001145795.2, NM_001308293.2, NM_001387404.1); c.*243G>T (NM_001145796.2, NM_001145812.2, NM_001308294.2 and 1 more transcripts); c.*260G>T (NM_001145797.2); short protein forms G720V.
Identifiers: ClinVar variation 5001470 (VCV005001470.1).
Genomic context (GRCh38, chr16:28,873,708, plus strand): 5'-CCGTGGTTGAATTGGAAGAGGCCATAGCCCCAGGCTCAGAGGCCCAGGGCGCTGGGTCTG[G>T]TGGGGACGCGGGGGTGCCCCCAATGGTGCAGCTGCAGCAGTCACCACTAGGGGGTGATGG-3'
Protein context (NP_001374359.1, residues 710-730): PGSEAQGAGS[Gly720Val]GDAGVPPMVQ

ClinVar aggregate classification (germline): Uncertain significance (1 of 4 stars; one submission).

Conditions:
SH2B1-related disorder. Also called: SH2B1-related condition.

Submission:

PreventionGenetics, part of Exact Sciences
Classification: Uncertain significance for SH2B1-related condition. Last evaluated: 2025-07-01. Review status: criteria provided, single submitter. Criteria: ACMG Guidelines, 2015. Collection method: clinical testing. Allele origin: germline.
Comment: The SH2B1 c.2159G>T variant is predicted to result in the amino acid substitution p.Gly720Val. To our knowledge, this variant has not been reported in the literature or in a large population database (gnomAD), indicating this variant is rare. At this time, the clinical significance of this variant is uncertain due to the absence of conclusive functional and genetic evidence.